The following is an entry in ClinVar:

NM_000194.3(HPRT1):c.619_620del (p.Val207fs)

Gene: HPRT1 (hypoxanthine phosphoribosyltransferase 1; plus strand). Cytogenetic location: Xq26.3.
Variant type: Microsatellite.
Coding change: c.619_620del on transcript NM_000194.3 (MANE Select); coding-DNA positions 619 to 620, 2 bases deleted (GT; older notation c.619_620delGT).
Protein change: p.Val207fs; shifts the reading frame from valine 207.
Molecular consequence: frameshift variant.
Genome position (GRCh38, 1-based): chrX:134,500,039-134,500,040, GT deleted; deleting any 2 consecutive bases within chrX:134,500,036-134,500,040 gives the same sequence; the c. name uses the placement nearest the transcript's 3' end. VCF-style (leftmost placement, unchanged base first): chrX-134500035-TTG-T. GRCh37 (hg19) VCF-style: chrX-133634065-TTG-T.
Other names: short protein forms V207fs.
Identifiers: ClinVar variation 3759679 (VCV003759679.2).

ClinVar aggregate classification (germline): Likely pathogenic (1 of 4 stars; one submission).

Conditions:
Partial hypoxanthine-guanine phosphoribosyltransferase deficiency. Also called: GOUT, HPRT-RELATED; HPRT DEFICIENCY, PARTIAL; HYPOXANTHINE GUANINE PHOSPHORIBOSYLTRANSFERASE 1 DEFICIENCY, PARTIAL; Kelley-Seegmiller Syndrome; HPRT1 DEFICIENCY, PARTIAL. Identifiers: Orphanet 79233, MedGen C0268117, MONDO:0010299, OMIM 300323.
Lesch-Nyhan syndrome (LNS). Also called: Lesch-Nyhan Disease (LND); HPRT DEFICIENCY, COMPLETE. Identifiers: Orphanet 510, MedGen C0023374, MONDO:0010298, OMIM 300322.

Submission:

Labcorp Genetics (formerly Invitae), Labcorp
Classification: Likely pathogenic for Lesch-Nyhan syndrome; Partial hypoxanthine-guanine phosphoribosyltransferase deficiency. Last evaluated: 2025-01-25. Review status: criteria provided, single submitter. Criteria: Invitae Variant Classification Sherloc (09022015). Collection method: clinical testing. Allele origin: germline.
Comment: This sequence change creates a premature translational stop signal (p.Val207Hisfs*2) in the HPRT1 gene. While this is not anticipated to result in nonsense mediated decay, it is expected to disrupt the last 12 amino acid(s) of the HPRT1 protein. This variant is not present in population databases (gnomAD no frequency). This premature translational stop signal has been observed in individual(s) with Lesch-Nyhan syndrome (PMID: 2018042). This variant disrupts a region of the HPRT1 protein in which other variant(s) (p.Gly212*) have been observed in individuals with HPRT1-related conditions (PMID: 11018746). This suggests that this is a clinically significant region of the protein, and that variants that disrupt it are likely to be disease-causing. In summary, the currently available evidence indicates that the variant is pathogenic, but additional data are needed to prove that conclusively. Therefore, this variant has been classified as Likely Pathogenic.

Literature cited by the submitters: PubMed 2018042; PubMed 11018746.